The following is an entry in ClinVar:

ClinVar aggregate classification (germline): Uncertain significance (1 of 4 stars; one submission).

Submission:

Ambry Genetics
Classification: Uncertain significance. Last evaluated: 2024-08-05. Review status: criteria provided, single submitter. Criteria: Ambry Variant Classification Scheme 2023. Collection method: clinical testing. Allele origin: germline.
Comment: The p.I689V variant (also known as c.2065A>G), located in coding exon 4 of the ALPK2 gene, results from an A to G substitution at nucleotide position 2065. The isoleucine at codon 689 is replaced by valine, an amino acid with highly similar properties. This amino acid position is conserved. In addition, this alteration is predicted to be tolerated by in silico analysis. Based on the available evidence, the clinical significance of this variant remains unclear.

NM_052947.4(ALPK2):c.2065A>G (p.Ile689Val)

Gene: ALPK2 (alpha kinase 2; minus strand). Cytogenetic location: 18q21.31.
Variant type: single nucleotide variant.
Coding change: c.2065A>G on transcript NM_052947.4 (MANE Select); coding-DNA position 2065, A replaced by G.
Protein change: p.Ile689Val; replaces isoleucine 689 with valine.
Molecular consequence: missense variant.
Genome position (GRCh38, 1-based): chr18:58,538,122, T>C on the plus strand (A>G on the coding strand, the complement: ALPK2 is on the minus strand). VCF-style: chr18-58538122-T-C. GRCh37 (hg19) VCF-style: chr18-56205354-T-C.
Other names: short protein forms I689V.
Identifiers: ClinVar variation 3531066 (VCV003531066.1).
Genomic context (GRCh38, chr18:58,538,122, plus strand): 5'-CCGAGTGTTGAGCTAATGATGCATTTTCCTTGTGGACCCCTCCTAAGTTTGAGAAGGAAA[T>C]TGTTGTGGTCCCAGTGAATGGGGACTCCTCCCCAGCAGGCTCTGAGAAAGCTGGCATCTG-3'
Protein context (NP_443179.3, residues 679-699): EESPFTGTTT[Ile689Val]SFSNLGGVHK